The following is an entry in ClinVar:

NM_001035.3(RYR2):c.84C>G (p.Ile28Met)

Gene: RYR2 (ryanodine receptor 2; plus strand). Cytogenetic location: 1q43.
Variant type: single nucleotide variant.
Coding change: c.84C>G on transcript NM_001035.3 (MANE Select); coding-DNA position 84, C replaced by G.
Protein change: p.Ile28Met; replaces isoleucine 28 with methionine.
Molecular consequence: missense variant.
Genome position (GRCh38, 1-based): chr1:237,270,532, C>G. VCF-style: chr1-237270532-C-G. GRCh37 (hg19) VCF-style: chr1-237433832-C-G.
Other names: c.84C>G (NM_001035.2); short protein forms I28M.
Identifiers: ClinVar variation 3018345 (VCV003018345.4), dbSNP rs1444362826, ClinGen allele CA345654332.

ClinVar aggregate classification (germline): Uncertain significance. Review status: criteria provided, multiple submitters, no conflicts (2 of 4 stars). 2 submissions from 2 submitters: Uncertain significance (2). Last evaluated 2026-05-28.

Conditions:
Cardiovascular phenotype. Identifiers: MedGen CN230736.
Catecholaminergic polymorphic ventricular tachycardia 1. Also called: RYR2-Related Catecholaminergic Polymorphic Ventricular Tachycardia; VENTRICULAR TACHYCARDIA, CATECHOLAMINERGIC POLYMORPHIC, 1, WITH OR WITHOUT ATRIAL DYSFUNCTION AND/OR DILATED CARDIOMYOPATHY; VENTRICULAR TACHYCARDIA, STRESS-INDUCED POLYMORPHIC 1. Identifiers: Orphanet 3286, MedGen C1631597, MONDO:0011484, OMIM 604772.

Submissions (2):

Ambry Genetics
Classification: Uncertain significance for Cardiovascular phenotype. Last evaluated: 2026-05-28. Review status: criteria provided, single submitter. Criteria: Ambry Variant Classification Scheme 2023. Collection method: clinical testing. Allele origin: germline.
Comment: The p.I28M variant (also known as c.84C>G), located in coding exon 2 of the RYR2 gene, results from a C to G substitution at nucleotide position 84. The isoleucine at codon 28 is replaced by methionine, an amino acid with highly similar properties. This amino acid position is conserved. In addition, the in silico prediction for this alteration is inconclusive. Based on the available evidence, the clinical significance of this variant remains unclear.

Labcorp Genetics (formerly Invitae), Labcorp
Classification: Uncertain significance for Catecholaminergic polymorphic ventricular tachycardia 1. Last evaluated: 2023-03-29. Review status: criteria provided, single submitter. Criteria: Invitae Variant Classification Sherloc (09022015). Collection method: clinical testing. Allele origin: germline.
Comment: This variant has not been reported in the literature in individuals affected with RYR2-related conditions. Advanced modeling of protein sequence and biophysical properties (such as structural, functional, and spatial information, amino acid conservation, physicochemical variation, residue mobility, and thermodynamic stability) has been performed at Invitae for this missense variant, however the output from this modeling did not meet the statistical confidence thresholds required to predict the impact of this variant on RYR2 protein function. In summary, the available evidence is currently insufficient to determine the role of this variant in disease. Therefore, it has been classified as a Variant of Uncertain Significance. This variant is not present in population databases (gnomAD no frequency). This sequence change replaces isoleucine, which is neutral and non-polar, with methionine, which is neutral and non-polar, at codon 28 of the RYR2 protein (p.Ile28Met).